The following is an entry in ClinVar:

ClinVar aggregate classification (germline): Conflicting classifications of pathogenicity. Review status: criteria provided, conflicting classifications (1 of 4 stars). 12 submissions from 12 submitters: Uncertain significance (10); Benign (1). 1 of the submissions does not count toward it. Last evaluated 2026-01-19.

Conditions:
Familial cold autoinflammatory syndrome 2 (FCAS2). Identifiers: Orphanet 247868, MedGen C2673198, MONDO:0012724, OMIM 611762.
NLRP12-related disorder. Also called: NLRP12-related condition; NLRP12-related conditions.
Autoinflammatory syndrome. Identifiers: Orphanet 93665, MedGen C3890737, MONDO:0019751.

Allele frequency attached by ClinVar (database versions not stated): gnomAD 0.00013; ESP Exome Variant Server 0.00031; TOPMed 0.00031.

Submissions (13):

Labcorp Genetics (formerly Invitae), Labcorp
Classification: Uncertain significance for Familial cold autoinflammatory syndrome 2. Last evaluated: 2026-01-19. Review status: criteria provided, single submitter. Criteria: Invitae Variant Classification Sherloc (09022015). Collection method: clinical testing. Allele origin: germline.
Comment: This sequence change creates a premature translational stop signal (p.Tyr618*) in the NLRP12 gene. It is expected to result in an absent or disrupted protein product. However, the current clinical and genetic evidence is not sufficient to establish whether loss-of-function variants in NLRP12 cause disease. This variant is present in population databases (rs142487599, gnomAD 0.02%). This variant has not been reported in the literature in individuals affected with NLRP12-related conditions. ClinVar contains an entry for this variant (Variation ID: 503632). In summary, the available evidence is currently insufficient to determine the role of this variant in disease. Therefore, it has been classified as a Variant of Uncertain Significance.

Women's Health and Genetics/Laboratory Corporation of America, LabCorp
Classification: Benign. Last evaluated: 2025-11-05. Review status: criteria provided, single submitter. Criteria: LabCorp Variant Classification Summary - May 2015. Collection method: clinical testing. Allele origin: germline.
Comment: Variant summary: NLRP12 c.1854C>G (p.Tyr618X) results in a premature termination codon, predicted to cause a truncation of the encoded protein or absence of the protein due to nonsense mediated decay, however current evidence is not sufficient to establish loss of function as a mechanism for disease. The variant allele was found at a frequency of 0.00015 in 251410 control chromosomes. The observed variant frequency exceeds the estimated maximal expected allele frequency for disease-causing variants in NLRP12. c.1854C>G has been observed in the presumed heterozygous state in at least 2 individuals with clinical features of autoinflammatory syndromes (Nomani_2023, Al-Mayouf_2020), without strong evidence for causality. These report(s) do not provide unequivocal conclusions about association of the variant with Familial cold autoinflammatory syndrome 2. To our knowledge, no experimental evidence demonstrating an impact on protein function has been reported. The following publications have been ascertained in the context of this evaluation (PMID: 37928541). The following publications have been ascertained in the context of this evaluation (PMID: 31741047, 27889060, 26141664, 37928541, 31345219). ClinVar contains an entry for this variant (Variation ID: 503632). Based on the evidence outlined above, the variant was classified as benign.

Revvity Omics, Revvity
Classification: Uncertain significance for Familial cold autoinflammatory syndrome 2. Last evaluated: 2024-06-27. Review status: criteria provided, single submitter. Criteria: ACMG Guidelines, 2015. Collection method: clinical testing. Allele origin: germline.

PreventionGenetics, part of Exact Sciences
Classification: Uncertain significance for NLRP12-related condition. Last evaluated: 2022-12-13. Review status: criteria provided, single submitter. Criteria: ACMG Guidelines, 2015. Collection method: clinical testing. Allele origin: germline.
Comment: The NLRP12 c.1854C>G variant is predicted to result in premature protein termination (p.Tyr618*). To our knowledge, this variant has not been reported in the literature. This variant is reported in 0.023% of alleles in individuals of European (Non-Finnish) descent in gnomAD, which is rather high to be causative for an autosomal recessive disease. Although we suspect that this variant may be benign, at this time, the clinical significance of this variant is uncertain due to the absence of conclusive functional and genetic evidence.

Mayo Clinic Laboratories, Mayo Clinic
Classification: Uncertain significance. Last evaluated: 2021-12-20. Review status: criteria provided, single submitter. Criteria: ACMG Guidelines, 2015. Collection method: clinical testing. Allele origin: germline.

Genome Diagnostics Laboratory, The Hospital for Sick Children
Classification: Uncertain significance for Autoinflammatory syndrome. Last evaluated: 2021-09-28. Review status: criteria provided, single submitter. Criteria: ACMG Guidelines, 2015. Collection method: clinical testing. Allele origin: germline. Affected: yes.

GeneDx
Classification: Uncertain significance. Last evaluated: 2021-06-01. Review status: criteria provided, single submitter. Criteria: GeneDx Variant Classification Process June 2021. Collection method: clinical testing. Allele origin: germline. Affected: yes.
Comment: Observed in the homozygous state by exome sequencing in a child with Meckel-Gruber ciliopathy in published literature; the child had no evidence of inflammation, and variants associated with the presenting phenotype were excluded from the study (Shamia et al., 2015); Observed in the heterozygous state in an individual with familial cold autoinflammatory syndrome in published literature (Al-Mayouf SM et al., 2020); Nonsense variant predicted to result in protein truncation or nonsense mediated decay; This variant is associated with the following publications: (PMID: 31741047, 26141664, 27535533)

Baylor Genetics
Classification: Uncertain significance for Familial cold autoinflammatory syndrome 2. Last evaluated: 2020-01-30. Review status: criteria provided, single submitter. Criteria: ACMG Guidelines, 2015. Collection method: clinical testing. Allele origin: unknown. Affected: yes.
Comment: This variant was determined to be of uncertain significance according to ACMG Guidelines, 2015 [PMID:25741868].

CeGaT Center for Human Genetics Tuebingen
Classification: Uncertain significance. Last evaluated: 2019-03-01. Review status: criteria provided, single submitter. Criteria: CeGaT Center For Human Genetics Tuebingen Variant Classification Criteria Version 2. Collection method: clinical testing. Allele origin: germline. Affected: yes. Observed: 3 variant alleles.

Eurofins Ntd Llc (ga)
Classification: Uncertain significance. Last evaluated: 2017-10-25. Review status: criteria provided, single submitter. Criteria: EGL Classification Definitions 2015. Collection method: clinical testing. Allele origin: germline. Observed: 1 variant allele, 1 heterozygote.

Breakthrough Genomics
Classification: Uncertain significance. Review status: criteria provided, single submitter. Criteria: ACMG Guidelines, 2015. Collection method: not provided. Allele origin: germline. Inheritance: Autosomal dominant inheritance. Affected: yes.

Clinical Genetics Laboratory, University Hospital Schleswig-Holstein
Classification: Uncertain significance for Familial cold autoinflammatory syndrome 2. Last evaluated: 2021-08-25. Review status: no assertion criteria provided. Collection method: clinical testing. Allele origin: germline. Affected: yes. Not counted in ClinVar's aggregate classification.

Dr. Peter K. Rogan Lab, Western University
No classification provided (evidence only). Condition: Ovarian serous cystadenocarcinoma. Review status: no classification provided. Collection method: in vitro. Allele origin: not applicable. Functional consequence: retained intron. Not counted in ClinVar's aggregate classification.

Literature cited by the submitters: PubMed 26141664 (cited by Women's Health and Genetics/Laboratory Corporation of America, LabCorp); PubMed 31345219 (cited by Women's Health and Genetics/Laboratory Corporation of America, LabCorp); PubMed 27889060 (cited by Women's Health and Genetics/Laboratory Corporation of America, LabCorp); PubMed 31741047 (cited by Women's Health and Genetics/Laboratory Corporation of America, LabCorp); PubMed 37928541 (cited by Women's Health and Genetics/Laboratory Corporation of America, LabCorp).

NM_144687.4(NLRP12):c.1854C>G (p.Tyr618Ter)

Gene: NLRP12 (NLR family pyrin domain containing 12; minus strand). Cytogenetic location: 19q13.42.
Variant type: single nucleotide variant.
Coding change: c.1854C>G on transcript NM_144687.4 (MANE Select); coding-DNA position 1854, C replaced by G.
Protein change: p.Tyr618Ter; replaces tyrosine 618 with a stop codon.
Molecular consequence: nonsense.
Genome position (GRCh38, 1-based): chr19:53,809,805, G>C on the plus strand (C>G on the coding strand, the complement: NLRP12 is on the minus strand). VCF-style: chr19-53809805-G-C. GRCh37 (hg19) VCF-style: chr19-54313059-G-C.
Other names: p.Tyr618*; c.1854C>G, p.Tyr618Ter (NM_001277126.2, NM_001277129.1); short protein forms Y618*.
Identifiers: ClinVar variation 503632 (VCV000503632.66), dbSNP rs142487599, ClinGen allele CA9639334.